The following is an entry in ClinVar:

NM_006846.4(SPINK5):c.2369G>A (p.Arg790Gln)

Gene: SPINK5 (serine peptidase inhibitor Kazal type 5; plus strand). Cytogenetic location: 5q32.
Variant type: single nucleotide variant.
Coding change: c.2369G>A on transcript NM_006846.4 (MANE Select); coding-DNA position 2369, G replaced by A.
Protein change: p.Arg790Gln; replaces arginine 790 with glutamine.
Molecular consequence: missense variant.
Genome position (GRCh38, 1-based): chr5:148,120,064, G>A. VCF-style: chr5-148120064-G-A. GRCh37 (hg19) VCF-style: chr5-147499627-G-A.
Other names: c.2369G>A, p.Arg790Gln (NM_001127698.2, NM_001127699.2); short protein forms R790Q.
Identifiers: ClinVar variation 948772 (VCV000948772.7), dbSNP rs184189005, ClinGen allele CA3495970.

ClinVar aggregate classification (germline): Uncertain significance (1 of 4 stars; one submission).

Conditions:
Ichthyosis linearis circumflexa. Identifiers: MedGen C0265962, MONDO:0043106, HP:0025810.

Allele frequency attached by ClinVar (database versions not stated): gnomAD exomes 0.00002 and 0.00006; TOPMed 0.00003; ExAC 0.00005; gnomAD 0.00007 and 0.00008; 1000 Genomes Project 30x 0.00016; 1000 Genomes Project 0.00020.
gnomAD v4.1: 45 of 1,614,024 alleles (0.0028%); highest among the groups gnomAD compares: Admixed American, 0.02%; no homozygotes.

Submission:

Labcorp Genetics (formerly Invitae), Labcorp
Classification: Uncertain significance for Ichthyosis linearis circumflexa. Last evaluated: 2023-07-10. Review status: criteria provided, single submitter. Criteria: Invitae Variant Classification Sherloc (09022015). Collection method: clinical testing. Allele origin: germline.
Comment: ClinVar contains an entry for this variant (Variation ID: 948772). This variant has not been reported in the literature in individuals affected with SPINK5-related conditions. This variant is present in population databases (rs184189005, gnomAD 0.02%). This sequence change replaces arginine, which is basic and polar, with glutamine, which is neutral and polar, at codon 790 of the SPINK5 protein (p.Arg790Gln). Algorithms developed to predict the effect of missense changes on protein structure and function output the following: SIFT: "Not Available"; PolyPhen-2: "Probably Damaging"; Align-GVGD: "Not Available". The glutamine amino acid residue is found in multiple mammalian species, which suggests that this missense change does not adversely affect protein function. In summary, the available evidence is currently insufficient to determine the role of this variant in disease. Therefore, it has been classified as a Variant of Uncertain Significance.